The following is an entry in ClinVar:

ClinVar aggregate classification (germline): Likely benign. Review status: criteria provided, multiple submitters, no conflicts (2 of 4 stars). 4 submissions from 4 submitters: Likely benign (4). Last evaluated 2024-06-28.

Conditions:
Arrhythmogenic right ventricular dysplasia 8 (ARVD8). Also called: ARRHYTHMOGENIC RIGHT VENTRICULAR DYSPLASIA, FAMILIAL, 8; ARRHYTHMOGENIC RIGHT VENTRICULAR CARDIOMYOPATHY 8; Arrhythmogenic Right Ventricular Dysplasia/Cardiomyopathy 8. Identifiers: MedGen C1843896, MONDO:0011831, OMIM 607450.
Arrhythmogenic cardiomyopathy with wooly hair and keratoderma. Also called: Arrhythmogenic cardiomyopathy with woolly hair and keratoderma; Dilated cardiomyopathy with woolly hair and keratoderma; PALMOPLANTAR KERATODERMA WITH LEFT VENTRICULAR CARDIOMYOPATHY AND WOOLLY HAIR; Carvajal syndrome. Identifiers: Orphanet 65282, MedGen C1854063, MONDO:0011581, OMIM 605676.
Cardiomyopathy (CMYO). Also called: Cardiomyopathies. Identifiers: Orphanet 167848, MedGen C0878544, MONDO:0004994, HP:0001638. Inheritance: Various modes of inheritance.
Cardiovascular phenotype. Identifiers: MedGen CN230736.

Allele frequency attached by ClinVar (database versions not stated): gnomAD exomes below 0.00001; ExAC 0.00001; gnomAD 0.00001.
gnomAD v4.1: 6 of 1,614,008 alleles (0.00037%); highest among the groups gnomAD compares: African/African-American, 0.0013%; no homozygotes.

Submissions (4):

Labcorp Genetics (formerly Invitae), Labcorp
Classification: Likely benign for Arrhythmogenic cardiomyopathy with wooly hair and keratoderma; Arrhythmogenic right ventricular dysplasia 8. Last evaluated: 2024-06-28. Review status: criteria provided, single submitter. Criteria: Invitae Variant Classification Sherloc (09022015). Collection method: clinical testing. Allele origin: germline.

Ambry Genetics
Classification: Likely benign for Cardiovascular phenotype. Last evaluated: 2024-02-24. Review status: criteria provided, single submitter. Criteria: Ambry Variant Classification Scheme 2023. Collection method: clinical testing. Allele origin: germline.

Color Diagnostics, LLC DBA Color Health
Classification: Likely benign for Cardiomyopathy. Last evaluated: 2020-09-15. Review status: criteria provided, single submitter. Criteria: ACMG Guidelines, 2015. Collection method: clinical testing. Allele origin: germline.

GeneDx
Classification: Likely benign. Last evaluated: 2019-08-21. Review status: criteria provided, single submitter. Criteria: GeneDx Variant Classification Process June 2021. Collection method: clinical testing. Allele origin: germline. Affected: yes.
Comment: This variant is associated with the following publications: (PMID: 29582519)

NM_004415.4(DSP):c.4698G>A (p.Leu1566=)

Gene: DSP (desmoplakin; plus strand). Cytogenetic location: 6p24.3.
Variant type: single nucleotide variant.
Coding change: c.4698G>A on transcript NM_004415.4 (MANE Select); coding-DNA position 4698, G replaced by A.
Protein change: p.Leu1566=; no amino-acid change (leucine 1566 retained).
Molecular consequence: synonymous variant. On other transcripts: intron variant (2).
Genome position (GRCh38, 1-based): chr6:7,580,888, G>A. VCF-style: chr6-7580888-G-A. GRCh37 (hg19) VCF-style: chr6-7581121-G-A.
Other names: c.4050+648G>A (NM_001319034.2); c.3582+1116G>A (NM_001008844.3).
Identifiers: ClinVar variation 1087366 (VCV001087366.15), dbSNP rs751608838, ClinGen allele CA042538.